The following is an entry in ClinVar:

NM_024675.4(PALB2):c.38A>G (p.Glu13Gly)

Gene: PALB2 (partner and localizer of BRCA2; minus strand). Cytogenetic location: 16p12.2.
Variant type: single nucleotide variant.
Coding change: c.38A>G on transcript NM_024675.4 (MANE Select); coding-DNA position 38, A replaced by G.
Protein change: p.Glu13Gly; replaces glutamic acid 13 with glycine.
Molecular consequence: missense variant.
Genome position (GRCh38, 1-based): chr16:23,641,120, T>C on the plus strand (A>G on the coding strand, the complement: PALB2 is on the minus strand). VCF-style: chr16-23641120-T-C. GRCh37 (hg19) VCF-style: chr16-23652441-T-C.
Other names: short protein forms E13G.
Identifiers: ClinVar variation 229943 (VCV000229943.12), dbSNP rs876658288, ClinGen allele CA10580059.

ClinVar aggregate classification (germline): Uncertain significance. Review status: criteria provided, multiple submitters, no conflicts (2 of 4 stars). 4 submissions from 4 submitters: Uncertain significance (4). Last evaluated 2024-11-19.

Conditions:
Hereditary cancer-predisposing syndrome. Also called: Hereditary neoplastic syndrome; Hereditary Cancer Syndrome; Neoplastic Syndromes, Hereditary; Tumor predisposition. Identifiers: Orphanet 140162, MedGen C0027672, MeSH D009386, MONDO:0015356.
Familial cancer of breast. Also called: Hereditary breast cancer; BREAST CANCER, FAMILIAL; hereditary breast carcinoma. Identifiers: Orphanet 227535, MedGen C0346153, MONDO:0016419, OMIM 114480. Disease mechanism: loss of function.

Submissions (4):

Ambry Genetics
Classification: Uncertain significance for Hereditary cancer-predisposing syndrome. Last evaluated: 2024-11-19. Review status: criteria provided, single submitter. Criteria: Ambry Variant Classification Scheme 2023. Collection method: clinical testing. Allele origin: germline.
Comment: The p.E13G variant (also known as c.38A>G), located in coding exon 1 of the PALB2 gene, results from an A to G substitution at nucleotide position 38. The glutamic acid at codon 13 is replaced by glycine, an amino acid with similar properties. This amino acid position is highly conserved in available vertebrate species. In addition, this alteration is predicted to be tolerated by in silico analysis. Based on the available evidence, the clinical significance of this variant remains unclear.

Labcorp Genetics (formerly Invitae), Labcorp
Classification: Uncertain significance for Familial cancer of breast. Last evaluated: 2024-04-02. Review status: criteria provided, single submitter. Criteria: Invitae Variant Classification Sherloc (09022015). Collection method: clinical testing. Allele origin: germline.
Comment: This sequence change replaces glutamic acid, which is acidic and polar, with glycine, which is neutral and non-polar, at codon 13 of the PALB2 protein (p.Glu13Gly). This variant is not present in population databases (gnomAD no frequency). This variant has not been reported in the literature in individuals affected with PALB2-related conditions. ClinVar contains an entry for this variant (Variation ID: 229943). An algorithm developed to predict the effect of missense changes on protein structure and function (PolyPhen-2) suggests that this variant is likely to be disruptive. RNA analysis performed to evaluate the impact of this missense change on mRNA splicing indicates it does not significantly alter splicing (Invitae). In summary, the available evidence is currently insufficient to determine the role of this variant in disease. Therefore, it has been classified as a Variant of Uncertain Significance.

Color Diagnostics, LLC DBA Color Health
Classification: Uncertain significance for Hereditary cancer-predisposing syndrome. Last evaluated: 2018-12-13. Review status: criteria provided, single submitter. Criteria: ACMG Guidelines, 2015. Collection method: clinical testing. Allele origin: germline.

Mendelics
Classification: Uncertain significance for Hereditary cancer-predisposing syndrome. Last evaluated: 2018-07-02. Review status: criteria provided, single submitter. Criteria: Mendelics Assertion Criteria 2017. Collection method: clinical testing. Allele origin: unknown.